The following is an entry in ClinVar:

ClinVar aggregate classification (germline): Likely benign (0 of 4 stars; one submission).

Submission:

ISCA site 4
Classification: Likely benign. Last evaluated: 2017-09-01. Review status: no assertion criteria provided. Collection method: clinical testing. Allele origin: unknown. Affected: yes. Observed: 1 variant allele.
Comment: intronic loss

Copy number variation identified through the course of routine clinical cytogenomic testing in postnatal populations, with clinical assertions as classified by the original submitter.

GRCh38/hg38 2p16.3(chr2:50974455-50999101)x1

Gene: NRXN1 (neurexin 1; minus strand). Cytogenetic location: 2p16.3.
Variant type: copy number loss.
Change: copy number 1 (one copy instead of two) of chr2:50,974,455-50,999,101 (24.6 kb, GRCh38 coordinates, 1-based), cytogenetic band 2p16.3.
Identifiers: ClinVar variation 154411 (VCV000154411.3).